The following is an entry in ClinVar:

ClinVar aggregate classification (germline): Uncertain significance. Review status: criteria provided, multiple submitters, no conflicts (2 of 4 stars). 2 submissions from 2 submitters: Uncertain significance (2). Last evaluated 2025-12-24.

Conditions:
Inborn genetic diseases. Identifiers: MedGen C0950123, MeSH D030342.

Submissions (2):

Labcorp Genetics (formerly Invitae), Labcorp
Classification: Uncertain significance. Last evaluated: 2025-12-24. Review status: criteria provided, single submitter. Criteria: Invitae Variant Classification Sherloc (09022015). Collection method: clinical testing. Allele origin: germline.
Comment: This sequence change replaces threonine, which is neutral and polar, with isoleucine, which is neutral and non-polar, at codon 107 of the SLC25A38 protein (p.Thr107Ile). This variant is present in population databases (rs140178615, gnomAD 0.04%). This variant has not been reported in the literature in individuals affected with SLC25A38-related conditions. ClinVar contains an entry for this variant (Variation ID: 4167080). Invitae Evidence Modeling of protein sequence and biophysical properties (such as structural, functional, and spatial information, amino acid conservation, physicochemical variation, residue mobility, and thermodynamic stability) indicates that this missense variant is not expected to disrupt SLC25A38 protein function with a negative predictive value of 80%. In summary, the available evidence is currently insufficient to determine the role of this variant in disease. Therefore, it has been classified as a Variant of Uncertain Significance.

Ambry Genetics
Classification: Uncertain significance for Inborn genetic diseases. Last evaluated: 2025-08-03. Review status: criteria provided, single submitter. Criteria: Ambry Variant Classification Scheme 2023. Collection method: clinical testing. Allele origin: germline.

NM_017875.4(SLC25A38):c.320C>T (p.Thr107Ile)

Gene: SLC25A38 (solute carrier family 25 member 38; plus strand). Cytogenetic location: 3p22.1.
Variant type: single nucleotide variant.
Coding change: c.320C>T on transcript NM_017875.4 (MANE Select); coding-DNA position 320, C replaced by T.
Protein change: p.Thr107Ile; replaces threonine 107 with isoleucine.
Molecular consequence: missense variant.
Genome position (GRCh38, 1-based): chr3:39,391,484, C>T. VCF-style: chr3-39391484-C-T. GRCh37 (hg19) VCF-style: chr3-39432975-C-T.
Other names: c.320C>T, p.Thr107Ile (NM_001354798.2); short protein forms T107I.
Identifiers: ClinVar variation 4167080 (VCV004167080.2).